The following is an entry in ClinVar:

NM_001370259.2(MEN1):c.1603G>A (p.Ala535Thr)

Gene: MEN1 (menin 1; minus strand). Cytogenetic location: 11q13.1.
Variant type: single nucleotide variant.
Coding change: c.1603G>A on transcript NM_001370259.2 (MANE Select); coding-DNA position 1603, G replaced by A.
Protein change: p.Ala535Thr; replaces alanine 535 with threonine.
Molecular consequence: missense variant. On other transcripts: non-coding transcript variant (4).
Genome position (GRCh38, 1-based): chr11:64,804,564, C>T on the plus strand (G>A on the coding strand, the complement: MEN1 is on the minus strand). VCF-style: chr11-64804564-C-T. GRCh37 (hg19) VCF-style: chr11-64572036-C-T.
Other names: c.1618G>A, p.Ala540Thr (NM_000244.4, NM_001407145.1, NM_130800.3 and 4 more transcripts); c.1729G>A, p.Ala577Thr (NM_001370251.2, NM_001407142.1, NM_001407143.1 and 1 more transcripts); c.1603G>A, p.Ala535Thr (NM_001370260.2, NM_001370261.2, NM_001407146.1 and 2 more transcripts); c.1498G>A, p.Ala500Thr (NM_001370262.2, NM_001370263.2, NM_001407148.1 and 1 more transcripts); c.1744G>A, p.Ala582Thr (NM_001407150.1); c.1624G>A, p.Ala542Thr (NM_001407151.1); c.1438G>A, p.Ala480Thr (NM_001407152.1); short protein forms A542T, A535T, A577T, A500T, A582T, A480T, A540T.
Identifiers: ClinVar variation 3394955 (VCV003394955.1).
Genomic context (GRCh38, chr11:64,804,564, plus strand): 5'-TCTGGAAAGTGAGCACTGGACCCTCCGGCGGTGGTGATGCTGTGGGTGCTGGCACCTGAG[C>T]CGTGCTGCCACCTTCAGGGCCTCGGGCTGTGCCAGCGACAGTCCCAGGAGGCTTCCGGGG-3'
Protein context (NP_001357188.2, residues 525-545): TARGPEGGST[Ala535Thr]QVPAPTASPP

ClinVar aggregate classification (germline): Uncertain significance (1 of 4 stars; one submission).

Conditions:
Hereditary cancer-predisposing syndrome. Also called: Hereditary Cancer Syndrome; Tumor predisposition; Hereditary neoplastic syndrome; Neoplastic Syndromes, Hereditary. Identifiers: Orphanet 140162, MedGen C0027672, MeSH D009386, MONDO:0015356.

Submission:

Ambry Genetics
Classification: Uncertain significance for Hereditary cancer-predisposing syndrome. Last evaluated: 2024-08-06. Review status: criteria provided, single submitter. Criteria: Ambry Variant Classification Scheme 2023. Collection method: clinical testing. Allele origin: germline.
Comment: The p.A535T variant (also known as c.1603G>A), located in coding exon 9 of the MEN1 gene, results from a G to A substitution at nucleotide position 1603. The alanine at codon 535 is replaced by threonine, an amino acid with similar properties. This amino acid position is conserved. In addition, this alteration is predicted to be tolerated by in silico analysis. Based on the available evidence, the clinical significance of this variant remains unclear.